The following is an entry in ClinVar:

NM_015335.5(MED13L):c.2812G>A (p.Val938Ile)

Gene: MED13L (mediator complex subunit 13L; minus strand). Cytogenetic location: 12q24.21.
Variant type: single nucleotide variant.
Coding change: c.2812G>A on transcript NM_015335.5 (MANE Select); coding-DNA position 2812, G replaced by A.
Protein change: p.Val938Ile; replaces valine 938 with isoleucine.
Molecular consequence: missense variant.
Genome position (GRCh38, 1-based): chr12:115,996,660, C>T on the plus strand (G>A on the coding strand, the complement: MED13L is on the minus strand). VCF-style: chr12-115996660-C-T. GRCh37 (hg19) VCF-style: chr12-116434465-C-T.
Other names: c.2812G>A (NM_015335.4); short protein forms V938I.
Identifiers: ClinVar variation 1010663 (VCV001010663.14), dbSNP rs750422287, ClinGen allele CA6811092.

ClinVar aggregate classification (germline): Benign. Review status: criteria provided, single submitter (1 of 4 stars). 2 submissions from 2 submitters: Benign (1). 1 of the submissions does not count toward it. Last evaluated 2025-05-13.

Conditions:
MED13L-related disorder. Also called: MED13L-related condition.
Dextro-looped transposition of the great arteries. Also called: Dextrotransposition of the great arteries. Identifiers: Orphanet 860, MedGen C3531771, MONDO:0019443, OMIM 608808, HP:0031348.

Allele frequency attached by ClinVar (database versions not stated): gnomAD 0.00001; TOPMed 0.00003; gnomAD exomes 0.00004 and 0.00006; ExAC 0.00007.
gnomAD v4.1: 24 of 1,613,892 alleles (0.0015%); highest among the groups gnomAD compares: Admixed American, 0.037%; no homozygotes.

Submissions (2):

Labcorp Genetics (formerly Invitae), Labcorp
Classification: Benign for Dextro-looped transposition of the great arteries. Last evaluated: 2025-05-13. Review status: criteria provided, single submitter. Criteria: Invitae Variant Classification Sherloc (09022015). Collection method: clinical testing. Allele origin: germline.

PreventionGenetics, part of Exact Sciences
Classification: Likely benign for MED13L-related condition. Last evaluated: 2021-03-19. Review status: no assertion criteria provided. Collection method: clinical testing. Allele origin: germline. Not counted in ClinVar's aggregate classification.
Comment: This variant is classified as likely benign based on ACMG/AMP sequence variant interpretation guidelines (Richards et al. 2015 PMID: 25741868, with internal and published modifications).